The following is an entry in ClinVar:

ClinVar aggregate classification (germline): Uncertain significance (1 of 4 stars; one submission).

Submission:

Labcorp Genetics (formerly Invitae), Labcorp
Classification: Uncertain significance. Last evaluated: 2024-07-17. Review status: criteria provided, single submitter. Criteria: Invitae Variant Classification Sherloc (09022015). Collection method: clinical testing. Allele origin: germline.
Comment: This variant, c.829_840del, results in the deletion of 4 amino acid(s) of the NUP62 protein (p.Ala277_Thr280del), but otherwise preserves the integrity of the reading frame. This variant is present in population databases (rs762665664, gnomAD 0.004%). This variant has not been reported in the literature in individuals affected with NUP62-related conditions. Experimental studies and prediction algorithms are not available or were not evaluated, and the functional significance of this variant is currently unknown. In summary, the available evidence is currently insufficient to determine the role of this variant in disease. Therefore, it has been classified as a Variant of Uncertain Significance.

NM_016553.5(NUP62):c.823GCCACC[1] (p.275AT[1])

Genes: IL4I1 (interleukin 4 induced 1; minus strand), NUP62 (nucleoporin 62; minus strand). Cytogenetic location: 19q13.33.
Variant type: Microsatellite.
Coding change: c.823GCCACC[1] on transcript NM_016553.5 (MANE Select); one copy of the 6-base unit GCCACC starting at c.823; the reference has three copies in a row; two copies, 12 bases deleted.
Protein change: p.275AT[1].
Molecular consequence: inframe deletion. On other transcripts: intron variant (3).
Genome position (GRCh38, 1-based): chr19:49,908,968-49,908,979, GGTGGCGGTGGC deleted on the plus strand (GCCACCGCCACC on the coding strand, the reverse complement: NUP62 is on the minus strand); deleting any 12 consecutive bases within chr19:49,908,968-49,908,985 gives the same sequence; the position shown is the placement nearest the transcript's 3' end. VCF-style (leftmost placement, unchanged base first): chr19-49908967-TGGTGGCGGTGGC-T. GRCh37 (hg19) VCF-style: chr19-50412224-TGGTGGCGGTGGC-T.
Other names: c.823GCCACC[1], p.275AT[1] (NM_001193357.2, NM_012346.5, NM_153718.4 and 1 more transcripts); c.-227-4658_-227-4647del (NM_001258017.2, NM_172374.3); c.-285-4658_-285-4647del (NM_001258018.2).
Identifiers: ClinVar variation 2172876 (VCV002172876.3), dbSNP rs762665664, ClinGen allele CA9589021.